The following is an entry in ClinVar:

NM_001365536.1(SCN9A):c.5665G>A (p.Glu1889Lys)

Genes: SCN1A-AS1 (SCN1A and SCN9A antisense RNA 1; plus strand), SCN9A (sodium voltage-gated channel alpha subunit 9; minus strand). Cytogenetic location: 2q24.3.
Variant type: single nucleotide variant.
Coding change: c.5665G>A on transcript NM_001365536.1 (MANE Select); coding-DNA position 5665, G replaced by A.
Protein change: p.Glu1889Lys; replaces glutamic acid 1889 with lysine.
Molecular consequence: missense variant.
Genome position (GRCh38, 1-based): chr2:166,198,974, C>T on the plus strand (G>A on the coding strand, the complement: SCN9A is on the minus strand). VCF-style: chr2-166198974-C-T. GRCh37 (hg19) VCF-style: chr2-167055484-C-T.
Other names: c.5632G>A, p.Glu1878Lys (NM_002977.4); short protein forms E1878K, E1889K.
Identifiers: ClinVar variation 2139937 (VCV002139937.4), dbSNP rs1412031535, ClinGen allele CA349051764.
Genomic context (GRCh38, chr2:166,198,974, plus strand): 5'-CATTTTGCCTTAAGCGGTAACGTCTATAAGCACGCTGAATGACAGTAGCAGACACATCCT[C>T]TTGTTTCCGTTTTAGTGTGGTTGTGATGGGTTCATAGGACACTTTGGAAGGATTTGCAGA-3'
Protein context (NP_001352465.1, residues 1879-1899): PITTTLKRKQ[Glu1889Lys]DVSATVIQRA

ClinVar aggregate classification (germline): Uncertain significance (1 of 4 stars; one submission).

Conditions:
Generalized epilepsy with febrile seizures plus, type 7 (GEFSP7). Also called: GEFS+, TYPE 7. Identifiers: Orphanet 36387, MedGen C2751778, MONDO:0013470, OMIM 613863.
Neuropathy, hereditary sensory and autonomic, type 2A (HSAN2A). Also called: NEUROPATHY, CONGENITAL SENSORY; NEUROPATHY, HEREDITARY SENSORY RADICULAR, AUTOSOMAL RECESSIVE; NEUROPATHY, HEREDITARY SENSORY, TYPE IIA; NEUROPATHY, PROGRESSIVE SENSORY, OF CHILDREN; ACROOSTEOLYSIS, GIACCAI TYPE; ACROOSTEOLYSIS, NEUROGENIC. Identifiers: Orphanet 970, MedGen C2752089, MONDO:0024309, OMIM 201300.

Allele frequency attached by ClinVar (database versions not stated): gnomAD exomes below 0.00001; TOPMed below 0.00001.
gnomAD v4.1: 4 of 1,613,906 alleles (0.00025%); highest among the groups gnomAD compares: Admixed American, 0.0017%; no homozygotes.

Submission:

Labcorp Genetics (formerly Invitae), Labcorp
Classification: Uncertain significance for Neuropathy, hereditary sensory and autonomic, type 2A; Generalized epilepsy with febrile seizures plus, type 7. Last evaluated: 2023-05-25. Review status: criteria provided, single submitter. Criteria: Invitae Variant Classification Sherloc (09022015). Collection method: clinical testing. Allele origin: germline.
Comment: This variant is not present in population databases (gnomAD no frequency). This variant has not been reported in the literature in individuals affected with SCN9A-related conditions. ClinVar contains an entry for this variant (Variation ID: 2139937). Advanced modeling of protein sequence and biophysical properties (such as structural, functional, and spatial information, amino acid conservation, physicochemical variation, residue mobility, and thermodynamic stability) has been performed at Invitae for this missense variant, however the output from this modeling did not meet the statistical confidence thresholds required to predict the impact of this variant on SCN9A protein function. In summary, the available evidence is currently insufficient to determine the role of this variant in disease. Therefore, it has been classified as a Variant of Uncertain Significance. This sequence change replaces glutamic acid, which is acidic and polar, with lysine, which is basic and polar, at codon 1878 of the SCN9A protein (p.Glu1878Lys).